The following is an entry in ClinVar:

ClinVar aggregate classification (germline): Likely benign. Review status: criteria provided, multiple submitters, no conflicts (2 of 4 stars). 2 submissions from 2 submitters: Likely benign (2). Last evaluated 2025-06-01.

Allele frequency attached by ClinVar (database versions not stated): TOPMed 0.00004.
gnomAD v4.1: 5 of 1,015,266 alleles (0.00049%); highest among the groups gnomAD compares: Admixed American, 0.024%; no homozygotes.

Submissions (2):

CeGaT Center for Human Genetics Tuebingen
Classification: Likely benign. Last evaluated: 2025-06-01. Review status: criteria provided, single submitter. Criteria: CeGaT Center For Human Genetics Tuebingen Variant Classification Criteria Version 2. Collection method: clinical testing. Allele origin: germline. Affected: yes. Observed: 1 variant allele.
Comment: BPTF: BP4, BP7

Labcorp Genetics (formerly Invitae), Labcorp
Classification: Likely benign. Last evaluated: 2022-05-26. Review status: criteria provided, single submitter. Criteria: Invitae Variant Classification Sherloc (09022015). Collection method: clinical testing. Allele origin: germline.

NM_182641.4(BPTF):c.183G>A (p.Lys61=)

Gene: BPTF (bromodomain PHD finger transcription factor; plus strand). Cytogenetic location: 17q24.2.
Variant type: single nucleotide variant.
Coding change: c.183G>A on transcript NM_182641.4 (MANE Select); coding-DNA position 183, G replaced by A.
Protein change: p.Lys61=; no amino-acid change (lysine 61 retained).
Molecular consequence: synonymous variant.
Genome position (GRCh38, 1-based): chr17:67,825,907, G>A. VCF-style: chr17-67825907-G-A. GRCh37 (hg19) VCF-style: chr17-65822023-G-A.
Other names: c.183G>A, p.Lys61= (NM_004459.7).
Identifiers: ClinVar variation 1976177 (VCV001976177.15), dbSNP rs1317837327, ClinGen allele CA501694173.
Genomic context (GRCh38, chr17:67,825,907, plus strand): 5'-GCGGCACCGCGGCAGCAGCCGGGGCAGGTGGGCCGCCGCCCAGGCTGAGGTGGCGCCCAA[G>A]ACGCGGCTGAGCTCGCCCAGGGGGGGCAGCAGTAGCCGGAGGAAGCCGCCGCCGCCGCCG-3'
Protein context (NP_872579.2, residues 51-71): WAAAQAEVAP[Lys61=]TRLSSPRGGS